The following is an entry in ClinVar:

ClinVar aggregate classification (germline): Uncertain significance. Review status: criteria provided, multiple submitters, no conflicts (2 of 4 stars). 7 submissions from 7 submitters: Uncertain significance (7). Last evaluated 2025-11-09.

Conditions:
Familial adenomatous polyposis 1 (FAP1). Also called: FAMILIAL ADENOMATOUS POLYPOSIS 1, ATTENUATED; POLYPOSIS, ADENOMATOUS INTESTINAL. Identifiers: MedGen C2713442, MONDO:0021056, OMIM 175100. Disease mechanism: loss of function.
Hereditary cancer-predisposing syndrome. Also called: Tumor predisposition; Hereditary Cancer Syndrome; Hereditary neoplastic syndrome; Neoplastic Syndromes, Hereditary. Identifiers: Orphanet 140162, MedGen C0027672, MeSH D009386, MONDO:0015356.
Classic or attenuated familial adenomatous polyposis. Identifiers: MedGen CN372698, MONDO:0021057.

Allele frequency attached by ClinVar (database versions not stated): ExAC 0.00001.
gnomAD v4.1: 6 of 1,607,360 alleles (0.00037%); highest among the groups gnomAD compares: Admixed American, 0.0017%; no homozygotes.

Submissions (7):

Labcorp Genetics (formerly Invitae), Labcorp
Classification: Uncertain significance for Familial adenomatous polyposis 1. Last evaluated: 2025-11-09. Review status: criteria provided, single submitter. Criteria: Invitae Variant Classification Sherloc (09022015). Collection method: clinical testing. Allele origin: germline.
Comment: This sequence change replaces arginine, which is basic and polar, with serine, which is neutral and polar, at codon 71 of the APC protein (p.Arg71Ser). This variant is present in population databases (rs767741687, gnomAD 0.003%). This variant has not been reported in the literature in individuals affected with APC-related conditions. ClinVar contains an entry for this variant (Variation ID: 411360). Invitae Evidence Modeling of protein sequence and biophysical properties (such as structural, functional, and spatial information, amino acid conservation, physicochemical variation, residue mobility, and thermodynamic stability) indicates that this missense variant is not expected to disrupt APC protein function with a negative predictive value of 95%. In summary, the available evidence is currently insufficient to determine the role of this variant in disease. Therefore, it has been classified as a Variant of Uncertain Significance.

Center for Genomic Medicine, Rigshospitalet, Copenhagen University Hospital
Classification: Uncertain significance. Last evaluated: 2025-03-04. Review status: criteria provided, single submitter. Criteria: ACMG Guidelines, 2015. Collection method: clinical testing. Allele origin: germline.

All of Us Research Program, National Institutes of Health
Classification: Uncertain significance for Classic or attenuated familial adenomatous polyposis. Last evaluated: 2024-09-23. Review status: criteria provided, single submitter. Criteria: ACMG Guidelines, 2015. Collection method: clinical testing. Allele origin: germline. Inheritance: Autosomal dominant inheritance. Observed: 2 variant alleles, 2 heterozygotes.
Comment: This missense variant replaces arginine with serine at codon 71 of the APC protein. Computational prediction tool suggests that this variant may not impact protein structure and function (internally defined REVEL score threshold <=0.5, PMID: 27666373). Splice site prediction tools suggest that this variant may not impact RNA splicing. To our knowledge, functional studies have not been performed for this variant. This variant has not been reported in individuals affected with hereditary cancer in the literature. This variant has been identified in 1/250846 chromosomes in the general population by the Genome Aggregation Database (gnomAD). The available evidence is insufficient to determine the role of this variant in disease conclusively. Therefore, this variant is classified as a Variant of Uncertain Significance.

This study involves interpretation of variants in research participants for the purpose of population health screening. Participant phenotype was not available at the time of variant classification. Additional details can be found in publication PMID: 35346344, PMCID: PMC8962531

Color Diagnostics, LLC DBA Color Health
Classification: Uncertain significance for Hereditary cancer-predisposing syndrome. Last evaluated: 2024-07-01. Review status: criteria provided, single submitter. Criteria: ACMG Guidelines, 2015. Collection method: clinical testing. Allele origin: germline.
Comment: This missense variant replaces arginine with serine at codon 71 of the APC protein. Computational prediction suggests that this variant may not impact protein structure and function (internally defined REVEL score threshold <= 0.5, PMID: 27666373). To our knowledge, functional studies have not been reported for this variant. This variant has not been reported in individuals affected with APC-related disorders in the literature. This variant has been identified in 1/250846 chromosomes in the general population by the Genome Aggregation Database (gnomAD). The available evidence is insufficient to determine the role of this variant in disease conclusively. Therefore, this variant is classified as a Variant of Uncertain Significance.

Ambry Genetics
Classification: Uncertain significance for Hereditary cancer-predisposing syndrome. Last evaluated: 2024-03-03. Review status: criteria provided, single submitter. Criteria: Ambry Variant Classification Scheme 2023. Collection method: clinical testing. Allele origin: germline.
Comment: The p.R71S variant (also known as c.211C>A), located in coding exon 2 of the APC gene, results from a C to A substitution at nucleotide position 211. The arginine at codon 71 is replaced by serine, an amino acid with dissimilar properties. This amino acid position is highly conserved in available vertebrate species. In addition, in silico predictors for this gene do not accurately predict pathogenicity. Since supporting evidence is limited at this time, the clinical significance of this alteration remains unclear.

Women's Health and Genetics/Laboratory Corporation of America, LabCorp
Classification: Uncertain significance. Last evaluated: 2018-07-19. Review status: criteria provided, single submitter. Criteria: LabCorp Variant Classification Summary - May 2015. Collection method: clinical testing. Allele origin: germline.
Comment: Variant summary: APC c.211C>A (p.Arg71Ser) results in a non-conservative amino acid change in the encoded protein sequence. Five of five in-silico tools predict a damaging effect of the variant on protein function. The variant allele was found at a frequency of 8.3e-06 in 120868 control chromosomes (ExAC). The available data on variant occurrences in the general population are insufficient to allow any conclusion about variant significance. To our knowledge, no occurrence of c.211C>A in individuals affected with Familial Adenomatous Polyposis and no experimental evidence demonstrating its impact on protein function have been reported. Two clinical diagnostic laboratories have submitted clinical-significance assessments for this variant to ClinVar after 2014 without evidence for independent evaluation, and both of them classified the variant as uncertain significance. Based on the evidence outlined above, the variant was classified as uncertain significance.

Quest Diagnostics Nichols Institute San Juan Capistrano
Classification: Uncertain significance. Last evaluated: 2018-06-22. Review status: criteria provided, single submitter. Criteria: Quest Diagnostics criteria. Collection method: clinical testing. Allele origin: germline.

NM_000038.6(APC):c.211C>A (p.Arg71Ser)

Gene: APC (APC regulator of Wnt signaling pathway; plus strand). Cytogenetic location: 5q22.2.
Variant type: single nucleotide variant.
Coding change: c.211C>A on transcript NM_000038.6 (MANE Select); coding-DNA position 211, C replaced by A.
Protein change: p.Arg71Ser; replaces arginine 71 with serine.
Molecular consequence: missense variant. On other transcripts: 5 prime UTR variant (1).
Genome position (GRCh38, 1-based): chr5:112,766,401, C>A. VCF-style: chr5-112766401-C-A. GRCh37 (hg19) VCF-style: chr5-112102098-C-A.
Other names: c.211C>A, p.Arg71Ser (NM_001127510.3, NM_001354895.2, NM_001354896.2 and 2 more transcripts); c.241C>A, p.Arg81Ser (NM_001127511.3, NM_001354897.2, NM_001354902.2); c.136C>A, p.Arg46Ser (NM_001354898.2, NM_001354904.2); c.34C>A, p.Arg12Ser (NM_001354900.2, NM_001354901.2, NM_001354905.2); c.-825C>A (NM_001354906.2); short protein forms R81S, R71S, R12S, R46S.
Identifiers: ClinVar variation 411360 (VCV000411360.37), dbSNP rs767741687, ClinGen allele CA030831.